The following is an entry in ClinVar:

ClinVar aggregate classification (germline): Pathogenic (1 of 4 stars; one submission).

Conditions:
Nemaline myopathy 2 (NEM2). Also called: Nemaline myopathy 2, autosomal recessive. Identifiers: MedGen C1850569, MONDO:0009725, OMIM 256030.

Submission:

Myriad Genetics, Inc.
Classification: Pathogenic for Nemaline myopathy 2. Last evaluated: 2024-04-13. Review status: criteria provided, single submitter. Criteria: Myriad Autosomal Dominant, Autosomal Recessive and X-Linked Classification Criteria (2023). Collection method: clinical testing. Allele origin: unknown.
Comment: NM_001271208.1(NEB):c.19285_19286delGCinsA(A6429Tfs*60) is expected to be pathogenic in the context of NEB-related nemaline myopathy. This variant is predicted to lead to an abnormal or absent protein product due to the creation of a premature termination codon in NEB, a gene where loss-of-function variants are known to be pathogenic. Please note: this variant was assessed in the context of healthy population screening.

NM_001164508.2(NEB):c.19285_19286delinsA (p.Ala6429fs)

Gene: NEB (nebulin; minus strand). Cytogenetic location: 2q23.3.
Variant type: Indel.
Coding change: c.19285_19286delinsA on transcript NM_001164508.2 (MANE Select); coding-DNA positions 19285 to 19286, GC replaced by A.
Protein change: p.Ala6429fs; shifts the reading frame from alanine 6429.
Molecular consequence: frameshift variant.
Genome position (GRCh38, 1-based): chr2:151,560,620-151,560,621, GC replaced by T on the plus strand (GC replaced by A on the coding strand, the reverse complement: NEB is on the minus strand). VCF-style: chr2-151560620-GC-T. GRCh37 (hg19) VCF-style: chr2-152417134-GC-T.
Other names: c.19285_19286delinsA, p.Ala6429fs (NM_001164507.2, NM_001271208.2); c.14182_14183delinsA, p.Ala4728fs (NM_004543.5); short protein forms A4728fs, A6429fs.
Identifiers: ClinVar variation 5012917 (VCV005012917.1).
Genomic context (GRCh38, chr2:151,560,620, plus strand): 5'-TGGGAAAGCTGTCATGTTTTTGCTTTACTTACATGGCTGGCCAGATGCTTCTGGTTCTTG[GC>T]GTGTGTCAGGGACAAGGTGCTGGAAGGCAGGATGTAGCTGGTGGCTTTCACTCTATCCCA-3'